The following is an entry in ClinVar:

ClinVar aggregate classification (germline): Pathogenic (1 of 4 stars; one submission).

Submission:

Labcorp Genetics (formerly Invitae), Labcorp
Classification: Pathogenic. Last evaluated: 2022-12-12. Review status: criteria provided, single submitter. Criteria: Invitae Variant Classification Sherloc (09022015). Collection method: clinical testing. Allele origin: germline.
Comment: For these reasons, this variant has been classified as Pathogenic. This variant has not been reported in the literature in individuals affected with COL4A3-related conditions. This variant is not present in population databases (gnomAD no frequency). This sequence change creates a premature translational stop signal (p.Pro1203Argfs*18) in the COL4A3 gene. It is expected to result in an absent or disrupted protein product. Loss-of-function variants in COL4A3 are known to be pathogenic (PMID: 8956999, 24854265, 26809805, 27281700).

Literature cited by the submitters: PubMed 8956999; PubMed 24854265; PubMed 26809805; PubMed 27281700.

NM_000091.5(COL4A3):c.3608del (p.Pro1203fs)

Genes: COL4A3 (collagen type IV alpha 3 chain; plus strand), MFF-DT (MFF divergent transcript; minus strand). Cytogenetic location: 2q36.3.
Variant type: Deletion.
Coding change: c.3608del on transcript NM_000091.5 (MANE Select); coding-DNA position 3608, one base deleted (C; older notation c.3608delC).
Protein change: p.Pro1203fs; shifts the reading frame from proline 1203.
Molecular consequence: frameshift variant.
Genome position (GRCh38, 1-based): chr2:227,297,716, C deleted; the last of 3 consecutive C bases (chr2:227,297,714-227,297,716); deleting any one gives the same sequence. VCF-style (leftmost placement, unchanged base first): chr2-227297713-TC-T. GRCh37 (hg19) VCF-style: chr2-228162429-TC-T.
Other names: short protein forms P1203fs.
Identifiers: ClinVar variation 2820214 (VCV002820214.3), dbSNP rs2469879795, ClinGen allele CA2577265453.